The following is an entry in ClinVar:

ClinVar aggregate classification (germline): Uncertain significance. Review status: criteria provided, multiple submitters, no conflicts (2 of 4 stars). 2 submissions from 2 submitters: Uncertain significance (2). Last evaluated 2025-12-28.

Conditions:
Hereditary cancer-predisposing syndrome. Also called: Neoplastic Syndromes, Hereditary; Tumor predisposition; Hereditary Cancer Syndrome; Hereditary neoplastic syndrome. Identifiers: Orphanet 140162, MedGen C0027672, MeSH D009386, MONDO:0015356.
EGFR-related lung cancer (EGFR). Identifiers: MedGen CN130014.

Submissions (2):

Ambry Genetics
Classification: Uncertain significance for Hereditary cancer-predisposing syndrome. Last evaluated: 2025-12-28. Review status: criteria provided, single submitter. Criteria: Ambry Variant Classification Scheme 2023. Collection method: clinical testing. Allele origin: germline.
Comment: The p.S1081I variant (also known as c.3242G>T), located in coding exon 27 of the EGFR gene, results from a G to T substitution at nucleotide position 3242. The serine at codon 1081 is replaced by isoleucine, an amino acid with dissimilar properties. This amino acid position is conserved. In addition, this alteration is predicted to be tolerated by in silico analysis. Based on the available evidence, the clinical significance of this variant remains unclear.

Labcorp Genetics (formerly Invitae), Labcorp
Classification: Uncertain significance for EGFR-related lung cancer. Last evaluated: 2024-08-28. Review status: criteria provided, single submitter. Criteria: Invitae Variant Classification Sherloc (09022015). Collection method: clinical testing. Allele origin: germline.
Comment: This sequence change replaces serine, which is neutral and polar, with isoleucine, which is neutral and non-polar, at codon 1081 of the EGFR protein (p.Ser1081Ile). This variant is not present in population databases (gnomAD no frequency). This variant has not been reported in the literature in individuals affected with EGFR-related conditions. ClinVar contains an entry for this variant (Variation ID: 1955064). An algorithm developed to predict the effect of missense changes on protein structure and function (PolyPhen-2) suggests that this variant is likely to be tolerated. In summary, the available evidence is currently insufficient to determine the role of this variant in disease. Therefore, it has been classified as a Variant of Uncertain Significance.

NM_005228.5(EGFR):c.3242G>T (p.Ser1081Ile)

Gene: EGFR (epidermal growth factor receptor; plus strand). Cytogenetic location: 7p11.2.
Variant type: single nucleotide variant.
Coding change: c.3242G>T on transcript NM_005228.5 (MANE Select); coding-DNA position 3242, G replaced by T.
Protein change: p.Ser1081Ile; replaces serine 1081 with isoleucine.
Molecular consequence: missense variant.
Genome position (GRCh38, 1-based): chr7:55,202,596, G>T. VCF-style: chr7-55202596-G-T. GRCh37 (hg19) VCF-style: chr7-55270289-G-T.
Other names: c.3107G>T, p.Ser1036Ile (NM_001346897.2, NM_001346899.2); c.3242G>T, p.Ser1081Ile (NM_001346898.2); c.3083G>T, p.Ser1028Ile (NM_001346900.2); c.2441G>T, p.Ser814Ile (NM_001346941.2); short protein forms S1028I, S1081I, S1036I, S814I.
Identifiers: ClinVar variation 1955064 (VCV001955064.6), dbSNP rs2128973140, ClinGen allele CA367583472.